The following is an entry in ClinVar:

ClinVar aggregate classification (germline): Benign/Likely benign. Review status: criteria provided, multiple submitters, no conflicts (2 of 4 stars). 3 submissions from 3 submitters: Benign (1); Likely benign (2). Last evaluated 2026-07-29.

Conditions:
Hereditary pheochromocytoma and paraganglioma. Also called: Hereditary Paraganglioma-Pheochromocytoma Syndromes; Hereditary paragangliomas and pheochromocytomas; Hereditary pheochromocytoma-paraganglioma. Identifiers: Orphanet 29072, MedGen C4274332, MONDO:0017366.
Hereditary cancer-predisposing syndrome. Also called: Neoplastic Syndromes, Hereditary; Tumor predisposition; Hereditary neoplastic syndrome; Hereditary Cancer Syndrome. Identifiers: Orphanet 140162, MedGen C0027672, MeSH D009386, MONDO:0015356.

gnomAD v4.1: 3 of 1,614,258 alleles (0.00019%); highest among the groups gnomAD compares: Non-Finnish European, 0.000085%; no homozygotes.

Submissions (3):

Myriad Genetics, Inc.
Classification: Benign for Hereditary pheochromocytoma and paraganglioma. Last evaluated: 2026-07-29. Review status: criteria provided, single submitter. Criteria: Myriad Autosomal Dominant, Autosomal Recessive and X-Linked Classification Criteria (2023). Collection method: clinical testing. Allele origin: unknown.
Comment: This variant is considered benign. This variant is a silent/synonymous amino acid change and it is not expected to impact splicing.

Ambry Genetics
Classification: Likely benign for Hereditary cancer-predisposing syndrome. Last evaluated: 2025-07-28. Review status: criteria provided, single submitter. Criteria: Ambry Variant Classification Scheme 2023. Collection method: clinical testing. Allele origin: germline.

Labcorp Genetics (formerly Invitae), Labcorp
Classification: Likely benign for Hereditary pheochromocytoma and paraganglioma. Last evaluated: 2025-06-29. Review status: criteria provided, single submitter. Criteria: Invitae Variant Classification Sherloc (09022015). Collection method: clinical testing. Allele origin: germline.

NM_017849.4(TMEM127):c.297C>T (p.Phe99=)

Gene: TMEM127 (transmembrane protein 127; minus strand). Cytogenetic location: 2q11.2.
Variant type: single nucleotide variant.
Coding change: c.297C>T on transcript NM_017849.4 (MANE Select); coding-DNA position 297, C replaced by T.
Protein change: p.Phe99=; no amino-acid change (phenylalanine 99 retained).
Molecular consequence: synonymous variant.
Genome position (GRCh38, 1-based): chr2:96,254,945, G>A on the plus strand (C>T on the coding strand, the complement: TMEM127 is on the minus strand). VCF-style: chr2-96254945-G-A. GRCh37 (hg19) VCF-style: chr2-96920683-G-A.
Other names: c.297C>T, p.Phe99= (NM_001193304.3); c.45C>T, p.Phe15= (NM_001407282.1, NM_001407283.1).
Identifiers: ClinVar variation 3705517 (VCV003705517.4).